The following is an entry in ClinVar:

ClinVar aggregate classification (germline): Uncertain significance (1 of 4 stars; one submission).

Submission:

Labcorp Genetics (formerly Invitae), Labcorp
Classification: Uncertain significance. Last evaluated: 2025-10-01. Review status: criteria provided, single submitter. Criteria: Invitae Variant Classification Sherloc (09022015). Collection method: clinical testing. Allele origin: germline.
Comment: This sequence change replaces glycine, which is neutral and non-polar, with valine, which is neutral and non-polar, at codon 805 of the COL11A1 protein (p.Gly805Val). This variant is not present in population databases (gnomAD no frequency). This variant has not been reported in the literature in individuals affected with COL11A1-related conditions. ClinVar contains an entry for this variant (Variation ID: 2013029). Invitae Evidence Modeling of protein sequence and biophysical properties (such as structural, functional, and spatial information, amino acid conservation, physicochemical variation, residue mobility, and thermodynamic stability) indicates that this missense variant is expected to disrupt COL11A1 protein function with a positive predictive value of 80%. In summary, the available evidence is currently insufficient to determine the role of this variant in disease. Therefore, it has been classified as a Variant of Uncertain Significance.

NM_001854.4(COL11A1):c.2414G>T (p.Gly805Val)

Gene: COL11A1 (collagen type XI alpha 1 chain; minus strand). Cytogenetic location: 1p21.1.
Variant type: single nucleotide variant.
Coding change: c.2414G>T on transcript NM_001854.4 (MANE Select); coding-DNA position 2414, G replaced by T.
Protein change: p.Gly805Val; replaces glycine 805 with valine.
Molecular consequence: missense variant. On other transcripts: non-coding transcript variant (1).
Genome position (GRCh38, 1-based): chr1:102,987,721, C>A on the plus strand (G>T on the coding strand, the complement: COL11A1 is on the minus strand). VCF-style: chr1-102987721-C-A. GRCh37 (hg19) VCF-style: chr1-103453277-C-A.
Other names: c.2066G>T, p.Gly689Val (NM_001168249.1, NM_080630.4); c.2297G>T, p.Gly766Val (NM_001190709.2); c.2450G>T, p.Gly817Val (NM_080629.3); short protein forms G817V, G689V, G766V, G805V.
Identifiers: ClinVar variation 2013029 (VCV002013029.4), dbSNP rs2525205945, ClinGen allele CA341166170.